The following is an entry in ClinVar:

ClinVar aggregate classification (germline): Pathogenic. Review status: criteria provided, multiple submitters, no conflicts (2 of 4 stars). 2 submissions from 2 submitters: Pathogenic (2). Last evaluated 2024-04-01.

Conditions:
Leber congenital amaurosis 5 (LCA5). Also called: Amaurosis congenita of Leber, type 5. Identifiers: Orphanet 65, MedGen C1858301, MONDO:0011473, OMIM 604537.

gnomAD v4.1: 1 of 1,614,088 alleles (0.000062%); highest among the groups gnomAD compares: Non-Finnish European, 0.000085%; no homozygotes.

Submissions (2):

Natera, Inc.
Classification: Pathogenic for Leber congenital amaurosis type 5. Last evaluated: 2024-04-01. Review status: criteria provided, single submitter. Criteria: Natera Variant Classification Schema (03/2026). Collection method: clinical testing. Allele origin: germline.
Comment: The c.69C>G variant in LCA5 is a nonsense variant predicted to introduce a stop codon at amino acid 23. This variant is expected to result in nonsense mediated decay, truncation, or a dysfunctional protein product. This variant is rare in the general population with a frequency below the threshold expected for the associated phenotype(s). This variant has been observed in one or more individuals affected with the associated recessive disease, as either homozygous or compound heterozygous with a second variant (PMID: 27375279). Given the available evidence, this variant is classified as Pathogenic.

Labcorp Genetics (formerly Invitae), Labcorp
Classification: Pathogenic. Last evaluated: 2023-02-22. Review status: criteria provided, single submitter. Criteria: Invitae Variant Classification Sherloc (09022015). Collection method: clinical testing. Allele origin: germline.
Comment: This premature translational stop signal has been observed in individual(s) with early onset rod-cone dystrophy (PMID: 23946133). This variant is not present in population databases (gnomAD no frequency). This sequence change creates a premature translational stop signal (p.Tyr23*) in the LCA5 gene. It is expected to result in an absent or disrupted protein product. Loss-of-function variants in LCA5 are known to be pathogenic (PMID: 17546029, 23946133). ClinVar contains an entry for this variant (Variation ID: 1456840). For these reasons, this variant has been classified as Pathogenic.

Literature cited by the submitters: PubMed 27375279 (cited by Natera, Inc.); PubMed 23946133 (cited by Labcorp Genetics (formerly Invitae), Labcorp); PubMed 17546029 (cited by Labcorp Genetics (formerly Invitae), Labcorp).

NM_001122769.3(LCA5):c.69C>G (p.Tyr23Ter)

Gene: LCA5 (lebercilin LCA5; minus strand). Cytogenetic location: 6q14.1.
Variant type: single nucleotide variant.
Coding change: c.69C>G on transcript NM_001122769.3 (MANE Select); coding-DNA position 69, C replaced by G.
Protein change: p.Tyr23Ter; replaces tyrosine 23 with a stop codon.
Molecular consequence: nonsense.
Genome position (GRCh38, 1-based): chr6:79,518,826, G>C on the plus strand (C>G on the coding strand, the complement: LCA5 is on the minus strand). VCF-style: chr6-79518826-G-C. GRCh37 (hg19) VCF-style: chr6-80228543-G-C.
Other names: c.69C>G (NM_181714.3); c.69C>G, p.Tyr23Ter (NM_181714.4); short protein forms Y23*.
Identifiers: ClinVar variation 1456840 (VCV001456840.9), dbSNP rs750725128, ClinGen allele CA364631988.
Genomic context (GRCh38, chr6:79,518,826, plus strand): 5'-AGGTGAAGAACTGACCAGCGATGATCGGCCAGAAGACTGTGGCGTTTCAAAATCAGATAA[G>C]TAAGAATAATGGTGTTTGCCTGCCTTTCTTTCTTGATCAGTACCTGGACTTCCTGCTCTT-3'